The following is an entry in ClinVar:

ClinVar aggregate classification (germline): Pathogenic/Likely pathogenic. Review status: criteria provided, multiple submitters, no conflicts (2 of 4 stars). 4 submissions from 4 submitters: Pathogenic (1); Likely pathogenic (3). Last evaluated 2025-11-25.

Conditions:
Hereditary cancer-predisposing syndrome. Also called: Hereditary neoplastic syndrome; Tumor predisposition; Hereditary Cancer Syndrome; Neoplastic Syndromes, Hereditary. Identifiers: Orphanet 140162, MedGen C0027672, MeSH D009386, MONDO:0015356.
Familial cancer of breast. Also called: hereditary breast carcinoma; Hereditary breast cancer; BREAST CANCER, FAMILIAL. Identifiers: Orphanet 227535, MedGen C0346153, MONDO:0016419, OMIM 114480. Disease mechanism: loss of function.

Submissions (4):

Ambry Genetics
Classification: Likely pathogenic for Hereditary cancer-predisposing syndrome. Last evaluated: 2025-11-25. Review status: criteria provided, single submitter. Criteria: Ambry Variant Classification Scheme 2023. Collection method: clinical testing. Allele origin: germline.
Comment: The c.3350+1G>A intronic variant results from a G to A substitution one nucleotide after coding exon 12 of the PALB2 gene. This alteration occurs at the 3' terminus of the gene, is not expected to trigger nonsense-mediated mRNA decay, and only impacts the last 10% of the protein. The exact functional effect of this alteration is unknown; however, a significant portion of the protein is affected (Ambry internal data). Another alteration impacting the same donor site (c.3350+5G>A), with the same in silico splicing predictions, has been detected in the homozygous state in an individual with Fanconi Anemia features, and RNA analysis showed skipping of coding exon 12 (Mori M et al. Haematologica. 2019 Oct;104:1962-197. This variant is considered to be rare based on population cohorts in the Genome Aggregation Database (gnomAD). This nucleotide position is highly conserved in available vertebrate species. In silico splice site analysis for this alteration is inconclusive. Based on the majority of available evidence to date, this variant is likely to be pathogenic

Labcorp Genetics (formerly Invitae), Labcorp
Classification: Pathogenic for Familial cancer of breast. Last evaluated: 2025-07-23. Review status: criteria provided, single submitter. Criteria: Invitae Variant Classification Sherloc (09022015). Collection method: clinical testing. Allele origin: germline.
Comment: This sequence change affects a donor splice site in intron 12 of the PALB2 gene. RNA analysis indicates that disruption of this splice site induces altered splicing and likely disrupts the C-terminus of the protein. This variant is not present in population databases (gnomAD no frequency). This variant has not been reported in the literature in individuals affected with PALB2-related conditions. ClinVar contains an entry for this variant (Variation ID: 219641). Studies have shown that disruption of this splice site results in skipping of exon 12 and introduces a new termination codon (PMID: 30890586; internal data). However the mRNA is not expected to undergo nonsense-mediated decay. This variant disrupts a region of the PALB2 protein in which other variant(s) (p.Tyr1183*) have been determined to be pathogenic (PMID: 17200671, 20927582, 21165770, 21365267, 26283626, 26296701). This suggests that this is a clinically significant region of the protein, and that variants that disrupt it are likely to be disease-causing. For these reasons, this variant has been classified as Pathogenic.

Myriad Genetics, Inc.
Classification: Likely pathogenic for Familial cancer of breast. Last evaluated: 2023-09-15. Review status: criteria provided, single submitter. Criteria: Myriad Autosomal Dominant, Autosomal Recessive and X-Linked Classification Criteria (2023). Collection method: clinical testing. Allele origin: unknown.
Comment: This variant is considered likely pathogenic. This variant occurs within a consensus splice junction and is predicted to result in abnormal mRNA splicing of either an out-of-frame exon or an in-frame exon necessary for protein stability and/or normal function.

Baylor Genetics
Classification: Likely pathogenic for Familial cancer of breast. Last evaluated: 2023-06-13. Review status: criteria provided, single submitter. Criteria: ACMG Guidelines, 2015. Collection method: clinical testing. Allele origin: unknown.

Literature cited by the submitters: PubMed 30890586 (cited by Labcorp Genetics (formerly Invitae), Labcorp); PubMed 17200671 (cited by Labcorp Genetics (formerly Invitae), Labcorp); PubMed 20927582 (cited by Labcorp Genetics (formerly Invitae), Labcorp); PubMed 21165770 (cited by Labcorp Genetics (formerly Invitae), Labcorp); PubMed 21365267 (cited by Labcorp Genetics (formerly Invitae), Labcorp); PubMed 26283626 (cited by Labcorp Genetics (formerly Invitae), Labcorp); PubMed 26296701 (cited by Labcorp Genetics (formerly Invitae), Labcorp).

NM_024675.4(PALB2):c.3350+1G>A

Gene: PALB2 (partner and localizer of BRCA2; minus strand). Cytogenetic location: 16p12.2.
Variant type: single nucleotide variant.
Coding change: c.3350+1G>A on transcript NM_024675.4 (MANE Select); the canonical splice donor site of the intron after coding-DNA position 3350, G replaced by A.
Molecular consequence: splice donor variant. On other transcripts: intron variant (8).
Genome position (GRCh38, 1-based): chr16:23,607,863, C>T on the plus strand (G>A on the coding strand, the complement: PALB2 is on the minus strand). VCF-style: chr16-23607863-C-T. GRCh37 (hg19) VCF-style: chr16-23619184-C-T.
Other names: c.2229-4194G>A (NM_001407308.1, NM_001407309.1); c.2465+1G>A (NM_001407306.1, NM_001407305.1, NM_001407304.1); c.884+1G>A (NM_001407314.1); c.1414-4194G>A (NM_001407313.1); c.1562+1G>A (NM_001407312.1); c.3290+1G>A (NM_001407296.1); c.3278+1G>A (NM_001407297.1); c.3040-4194G>A (NM_001407302.1); and 6 more.
Identifiers: ClinVar variation 219641 (VCV000219641.14), dbSNP rs864622192, ClinGen allele CA348374.